The following is an entry in ClinVar:

NM_020771.4(HACE1):c.2011C>G (p.Leu671Val)

Gene: HACE1 (HECT domain and ankyrin repeat containing E3 ubiquitin protein ligase 1; minus strand). Cytogenetic location: 6q16.3.
Variant type: single nucleotide variant.
Coding change: c.2011C>G on transcript NM_020771.4 (MANE Select); coding-DNA position 2011, C replaced by G.
Protein change: p.Leu671Val; replaces leucine 671 with valine.
Molecular consequence: missense variant. On other transcripts: non-coding transcript variant (7).
Genome position (GRCh38, 1-based): chr6:104,771,928, G>C on the plus strand (C>G on the coding strand, the complement: HACE1 is on the minus strand). VCF-style: chr6-104771928-G-C. GRCh37 (hg19) VCF-style: chr6-105219803-G-C.
Other names: c.1879C>G, p.Leu627Val (NM_001321080.2); c.1909C>G, p.Leu637Val (NM_001321083.2); c.1507C>G, p.Leu503Val (NM_001321084.2, NM_001350557.2, NM_001350558.2); c.1777C>G, p.Leu593Val (NM_001350554.2); c.1720C>G, p.Leu574Val (NM_001350555.2); c.1525C>G, p.Leu509Val (NM_001350556.2); c.1429C>G, p.Leu477Val (NM_001350559.2); c.1228C>G, p.Leu410Val (NM_001350560.2); short protein forms L477V, L593V, L637V, L503V, L410V, L509V, L574V, L627V.
Identifiers: ClinVar variation 1928327 (VCV001928327.5), dbSNP rs1428007290, ClinGen allele CA365133998.

ClinVar aggregate classification (germline): Uncertain significance (1 of 4 stars; one submission).

Allele frequency attached by ClinVar (database versions not stated): TOPMed below 0.00001; gnomAD 0.00001; gnomAD exomes 0.00001.
gnomAD v4.1: 12 of 1,593,192 alleles (0.00075%); highest among the groups gnomAD compares: Non-Finnish European, 0.001%; no homozygotes.

Submission:

Labcorp Genetics (formerly Invitae), Labcorp
Classification: Uncertain significance. Last evaluated: 2022-09-13. Review status: criteria provided, single submitter. Criteria: Invitae Variant Classification Sherloc (09022015). Collection method: clinical testing. Allele origin: germline.
Comment: This variant has not been reported in the literature in individuals affected with HACE1-related conditions. In summary, the available evidence is currently insufficient to determine the role of this variant in disease. Therefore, it has been classified as a Variant of Uncertain Significance. Advanced modeling of protein sequence and biophysical properties (such as structural, functional, and spatial information, amino acid conservation, physicochemical variation, residue mobility, and thermodynamic stability) performed at Invitae indicates that this missense variant is not expected to disrupt HACE1 protein function. This variant is not present in population databases (gnomAD no frequency). This sequence change replaces leucine, which is neutral and non-polar, with valine, which is neutral and non-polar, at codon 671 of the HACE1 protein (p.Leu671Val).